The following is an entry in ClinVar:

NM_004979.6(KCND1):c.698G>C (p.Cys233Ser)

Gene: KCND1 (potassium voltage-gated channel subfamily D member 1; minus strand). Cytogenetic location: Xp11.23.
Variant type: single nucleotide variant.
Coding change: c.698G>C on transcript NM_004979.6 (MANE Select); coding-DNA position 698, G replaced by C.
Protein change: p.Cys233Ser; replaces cysteine 233 with serine.
Molecular consequence: missense variant.
Genome position (GRCh38, 1-based): chrX:48,969,574, C>G on the plus strand (G>C on the coding strand, the complement: KCND1 is on the minus strand). VCF-style: chrX-48969574-C-G. GRCh37 (hg19) VCF-style: chrX-48825981-C-G.
Other names: short protein forms C233S.
Identifiers: ClinVar variation 4975871 (VCV004975871.1).

ClinVar aggregate classification (germline): Uncertain significance (1 of 4 stars; one submission).

Submission:

GeneDx
Classification: Uncertain significance. Last evaluated: 2026-02-03. Review status: criteria provided, single submitter. Criteria: GeneDx Variant Classification Process June 2021. Collection method: clinical testing. Allele origin: germline.
Comment: Not observed at significant frequency in large population cohorts (gnomAD); In silico analysis supports that this missense variant has a deleterious effect on protein structure/function; Has not been previously published as pathogenic or benign to our knowledge